The following is an entry in ClinVar:

Conditions:
Long QT syndrome 5 (LQT5). Identifiers: Orphanet 101016, Orphanet 768, MedGen C1867904, MONDO:0013372, OMIM 613695.

Submission:

Roden Lab, Vanderbilt University Medical Center
No classification provided (evidence only). Condition: Long QT syndrome 5. Review status: no classification provided. Collection method: in vitro. Allele origin: not applicable. Functional consequence: Effect on ion channel function.
ClinVar note: "not provided" was previously submitted as the classification for the variant. However, the classification appeared to be based only on an observation of functional data so it was converted to no classification on 2025-07-30.

NM_000219.6(KCNE1):c.201C>G (p.Arg67=)

Gene: KCNE1 (potassium voltage-gated channel subfamily E regulatory subunit 1; minus strand). Cytogenetic location: 21q22.12.
Variant type: single nucleotide variant.
Coding change: c.201C>G on transcript NM_000219.6 (MANE Select); coding-DNA position 201, C replaced by G.
Protein change: p.Arg67=; no amino-acid change (arginine 67 retained).
Molecular consequence: synonymous variant.
Genome position (GRCh38, 1-based): chr21:34,449,434, G>C on the plus strand (C>G on the coding strand, the complement: KCNE1 is on the minus strand). VCF-style: chr21-34449434-G-C. GRCh37 (hg19) VCF-style: chr21-35821732-G-C.
Other names: c.201C>G, p.Arg67= (NM_001127668.4, NM_001127669.4, NM_001127670.4 and 4 more transcripts).
Identifiers: ClinVar variation 3374315 (VCV003374315.2).